The following is an entry in ClinVar:

NM_000383.4(AIRE):c.73G>C (p.Ala25Pro)

Gene: AIRE (autoimmune regulator; plus strand). Cytogenetic location: 21q22.3.
Variant type: single nucleotide variant.
Coding change: c.73G>C on transcript NM_000383.4 (MANE Select); coding-DNA position 73, G replaced by C.
Protein change: p.Ala25Pro; replaces alanine 25 with proline.
Molecular consequence: missense variant.
Genome position (GRCh38, 1-based): chr21:44,286,079, G>C. VCF-style: chr21-44286079-G-C. GRCh37 (hg19) VCF-style: chr21-45705962-G-C.
Other names: short protein forms A25P.
Identifiers: ClinVar variation 969973 (VCV000969973.7), dbSNP rs761025044, ClinGen allele CA10051464.

ClinVar aggregate classification (germline): Uncertain significance. Review status: criteria provided, single submitter (1 of 4 stars). 2 submissions from 2 submitters: Uncertain significance (1). 1 of the submissions does not count toward it. Last evaluated 2025-01-21.

Conditions:
Polyglandular autoimmune syndrome, type 1 (APS1). Also called: PGA I; Autoimmune polyendocrinopathy syndrome , type I, with or without reversible metaphyseal dysplasia; Autoimmune polyendocrine syndrome type 1; HYPOADRENOCORTICISM WITH HYPOPARATHYROIDISM AND SUPERFICIAL MONILIASIS; Autoimmune polyendocrinopathy syndrome, type I; Whitaker syndrome. Identifiers: Orphanet 3453, MedGen C0085859, MONDO:0009411, OMIM 240300.

Allele frequency attached by ClinVar (database versions not stated): ExAC below 0.00001; gnomAD 0.00003 and 0.00004; TOPMed 0.00003; gnomAD exomes 0.00004.
gnomAD v4.1: 81 of 1,544,844 alleles (0.0052%); highest among the groups gnomAD compares: Non-Finnish European, 0.0065%; no homozygotes.

Submissions (2):

Labcorp Genetics (formerly Invitae), Labcorp
Classification: Uncertain significance for Polyglandular autoimmune syndrome, type 1. Last evaluated: 2025-01-21. Review status: criteria provided, single submitter. Criteria: Invitae Variant Classification Sherloc (09022015). Collection method: clinical testing. Allele origin: germline.
Comment: This sequence change replaces alanine, which is neutral and non-polar, with proline, which is neutral and non-polar, at codon 25 of the AIRE protein (p.Ala25Pro). This variant is present in population databases (rs761025044, gnomAD 0.008%). This variant has not been reported in the literature in individuals affected with AIRE-related conditions. ClinVar contains an entry for this variant (Variation ID: 969973). Invitae Evidence Modeling of protein sequence and biophysical properties (such as structural, functional, and spatial information, amino acid conservation, physicochemical variation, residue mobility, and thermodynamic stability) indicates that this missense variant is not expected to disrupt AIRE protein function with a negative predictive value of 95%. In summary, the available evidence is currently insufficient to determine the role of this variant in disease. Therefore, it has been classified as a Variant of Uncertain Significance.

Natera, Inc.
Classification: Uncertain significance for Polyglandular autoimmune syndrome type 1. Last evaluated: 2020-04-25. Review status: no assertion criteria provided. Collection method: clinical testing. Allele origin: germline. Not counted in ClinVar's aggregate classification.